The following is an entry in ClinVar:

ClinVar aggregate classification (germline): Conflicting classifications of pathogenicity. Review status: criteria provided, conflicting classifications (1 of 4 stars). 2 submissions from 2 submitters: Likely pathogenic (1); Uncertain significance (1). Last evaluated 2024-12-20.

Submissions (2):

Women's Health and Genetics/Laboratory Corporation of America, LabCorp
Classification: Uncertain significance. Last evaluated: 2024-12-20. Review status: criteria provided, single submitter. Criteria: LabCorp Variant Classification Summary - May 2015. Collection method: clinical testing. Allele origin: germline.
Comment: Variant summary: VWF c.3512A>T (p.Glu1171Val) results in a non-conservative amino acid change in the encoded protein sequence. Five of five in-silico tools predict a damaging effect of the variant on protein function. The variant was absent in 54012 control chromosomes. The available data on variant occurrences in the general population are insufficient to allow any conclusion about variant significance. To our knowledge, no occurrence of c.3512A>T in individuals affected with Von Willebrand Disease and no experimental evidence demonstrating its impact on protein function have been reported. ClinVar contains an entry for this variant (Variation ID: 3381082). Based on the evidence outlined above, the variant was classified as uncertain significance.

Mayo Clinic Laboratories, Mayo Clinic
Classification: Likely pathogenic. Last evaluated: 2023-12-20. Review status: criteria provided, single submitter. Criteria: ACMG Guidelines, 2015. Collection method: clinical testing. Allele origin: germline. Observed: 1 variant allele.
Comment: PP3, PM1, PM2_moderate, PM5

NM_000552.5(VWF):c.3512A>T (p.Glu1171Val)

Gene: VWF (von Willebrand factor; minus strand). Cytogenetic location: 12p13.31.
Variant type: single nucleotide variant.
Coding change: c.3512A>T on transcript NM_000552.5 (MANE Select); coding-DNA position 3512, A replaced by T.
Protein change: p.Glu1171Val; replaces glutamic acid 1171 with valine.
Molecular consequence: missense variant.
Genome position (GRCh38, 1-based): chr12:6,022,766, T>A on the plus strand (A>T on the coding strand, the complement: VWF is on the minus strand). VCF-style: chr12-6022766-T-A. GRCh37 (hg19) VCF-style: chr12-6131932-T-A.
Other names: p.Glu1171Val; short protein forms E1171V.
Identifiers: ClinVar variation 3381082 (VCV003381082.2).
Genomic context (GRCh38, chr12:6,022,766, plus strand): 5'-CCACCAGCCTGACCCCCAGGGATAGAGGCCTCACCTGGAGGGCAGTGGGCATGGCAGCCC[T>A]CCACACACTGCACAGGGCAGGCCAGTGGCTCAGGGTGCTGACACGTGACTTGACAGGCAG-3'
Protein context (NP_000543.3, residues 1161-1181): EPLACPVQCV[Glu1171Val]GCHAHCPPGK